The following is an entry in ClinVar:

NM_003482.4(KMT2D):c.14531G>A (p.Gly4844Asp)

Gene: KMT2D (lysine methyltransferase 2D; minus strand). Cytogenetic location: 12q13.12.
Variant type: single nucleotide variant.
Coding change: c.14531G>A on transcript NM_003482.4 (MANE Select); coding-DNA position 14531, G replaced by A.
Protein change: p.Gly4844Asp; replaces glycine 4844 with aspartic acid.
Molecular consequence: missense variant.
Genome position (GRCh38, 1-based): chr12:49,027,915, C>T on the plus strand (G>A on the coding strand, the complement: KMT2D is on the minus strand). VCF-style: chr12-49027915-C-T. GRCh37 (hg19) VCF-style: chr12-49421698-C-T.
Other names: short protein forms G4844D.
Identifiers: ClinVar variation 4076878 (VCV004076878.1).

ClinVar aggregate classification (germline): Uncertain significance (1 of 4 stars; one submission).

Submission:

GeneDx
Classification: Uncertain significance. Last evaluated: 2025-02-24. Review status: criteria provided, single submitter. Criteria: GeneDx Variant Classification Process June 2021. Collection method: clinical testing. Allele origin: germline. Affected: yes.
Comment: Not observed at significant frequency in large population cohorts (gnomAD); In silico analysis supports that this missense variant has a deleterious effect on protein structure/function; Has not been previously published as pathogenic or benign to our knowledge